The following is an entry in ClinVar:

NM_000439.5(PCSK1):c.1837G>A (p.Val613Ile)

Genes: CAST (calpastatin; plus strand), PCSK1 (proprotein convertase subtilisin/kexin type 1; minus strand), LOC101929710 (uncharacterized LOC101929710; plus strand). Cytogenetic location: 5q15.
Variant type: single nucleotide variant.
Coding change: c.1837G>A on transcript NM_000439.5 (MANE Select); coding-DNA position 1837, G replaced by A.
Protein change: p.Val613Ile; replaces valine 613 with isoleucine.
Molecular consequence: missense variant. On other transcripts: intron variant (11).
Genome position (GRCh38, 1-based): chr5:96,394,911, C>T on the plus strand (G>A on the coding strand, the complement: PCSK1 is on the minus strand). VCF-style: chr5-96394911-C-T. GRCh37 (hg19) VCF-style: chr5-95730615-C-T.
Other names: c.1696G>A, p.Val566Ile (NM_001177875.2); c.-175+15259C>T (NM_001423254.1, NM_001423259.1, NM_001423255.1 and 6 more transcripts); c.-103+15259C>T (NM_001423253.1); c.-40+15259C>T (NM_001423258.1); short protein forms V566I, V613I.
Identifiers: ClinVar variation 3344156 (VCV003344156.2).

ClinVar aggregate classification (germline): Uncertain significance (1 of 4 stars; one submission).

Conditions:
PCSK1-related disorder. Also called: PCSK1-related condition.

gnomAD v4.1: 11 of 1,614,138 alleles (0.00068%); highest among the groups gnomAD compares: Non-Finnish European, 0.00093%; no homozygotes.

Submission:

PreventionGenetics, part of Exact Sciences
Classification: Uncertain significance for PCSK1-related condition. Last evaluated: 2026-07-12. Review status: criteria provided, single submitter. Criteria: ACMG Guidelines, 2015. Collection method: clinical testing. Allele origin: germline.
Comment: The PCSK1 c.1837G>A variant is predicted to result in the amino acid substitution p.Val613Ile. In vitro functional studies showed this variant did not reduce protein function and could cause increased function (Supplemental Data Set 1, Shah et al. 2023. PubMed ID: 36864747). This variant has not been reported in a large population database, indicating this variant is rare. At this time, the clinical significance of this variant is uncertain due to the absence of conclusive functional and genetic evidence.